The following is an entry in ClinVar:

ClinVar aggregate classification (germline): Uncertain significance (1 of 4 stars; one submission).

Submission:

Labcorp Genetics (formerly Invitae), Labcorp
Classification: Uncertain significance. Last evaluated: 2022-02-06. Review status: criteria provided, single submitter. Criteria: Invitae Variant Classification Sherloc (09022015). Collection method: clinical testing. Allele origin: germline.
Comment: This sequence change creates a premature translational stop signal (p.Gly1149Alafs*10) in the RBP3 gene. While this is not anticipated to result in nonsense mediated decay, it is expected to disrupt the last 99 amino acid(s) of the RBP3 protein. In summary, the available evidence is currently insufficient to determine the role of this variant in disease. Therefore, it has been classified as a Variant of Uncertain Significance. This variant disrupts a region of the RBP3 protein in which other variant(s) (p.Glu1152*) have been observed in individuals with RBP3-related conditions (PMID: 25766589). This suggests that this is a clinically significant region of the protein, and that variants that disrupt it are likely to be disease-causing. Experimental studies and prediction algorithms are not available or were not evaluated, and the functional significance of this variant is currently unknown. This variant has not been reported in the literature in individuals affected with RBP3-related conditions. This variant is not present in population databases (gnomAD no frequency).

Literature cited by the submitters: PubMed 25766589.

NM_002900.3(RBP3):c.3444del (p.Gly1149fs)

Gene: RBP3 (retinol binding protein 3; plus strand). Cytogenetic location: 10q11.22.
Variant type: Deletion.
Coding change: c.3444del on transcript NM_002900.3 (MANE Select); coding-DNA position 3444, one base deleted (C; older notation c.3444delC).
Protein change: p.Gly1149fs; shifts the reading frame from glycine 1149.
Molecular consequence: frameshift variant.
Genome position (GRCh38, 1-based): chr10:47,357,157, C deleted; the last of 2 consecutive C bases (chr10:47,357,156-47,357,157); deleting either gives the same sequence. VCF-style (leftmost placement, unchanged base first): chr10-47357155-GC-G. GRCh37 (hg19) VCF-style: chr10-48382204-CG-C.
Other names: short protein forms G1149fs.
Identifiers: ClinVar variation 2093453 (VCV002093453.4), dbSNP rs2549031458, ClinGen allele CA2580081519.